The following is an entry in ClinVar:

ClinVar aggregate classification (germline): Likely pathogenic. Review status: no assertion criteria provided (0 of 4 stars). 2 submissions from 2 submitters: Likely pathogenic (1). 1 of the submissions does not count toward it.

Conditions:
Familial long QT syndrome (RWS). Also called: Congenital long QT syndrome; Romano-Ward syndrome; VENTRICULAR FIBRILLATION WITH PROLONGED QT INTERVAL. Identifiers: Orphanet 768, MedGen C1141890, MONDO:0019171.
Long QT syndrome (LQTS). Identifiers: MedGen C0023976, MeSH D008133, MONDO:0002442. Disease mechanism: loss of function. Inheritance: Various modes of inheritance.

Submissions (2):

Cardiovascular Biomedical Research Unit, Royal Brompton & Harefield NHS Foundation Trust
No classification provided. Condition: Familial long QT syndrome. Review status: no classification provided. Collection method: literature only. Allele origin: germline. Not counted in ClinVar's aggregate classification.
Comment: This variant has been reported as associated with Long QT syndrome in the following publications (PMID:20541041). This is a literature report, and does not necessarily reflect the clinical interpretation of the Imperial College / Royal Brompton Cardiovascular Genetics laboratory.

Medical Research Institute, Tokyo Medical and Dental University
Classification: Likely pathogenic for Long QT syndrome. Review status: no assertion criteria provided. Collection method: research. Allele origin: germline. Affected: yes.

Literature cited by the submitters: PubMed 20541041 (cited by Cardiovascular Biomedical Research Unit, Royal Brompton & Harefield NHS Foundation Trust); PubMed 22581653 (cited by Cardiovascular Biomedical Research Unit, Royal Brompton & Harefield NHS Foundation Trust); PubMed 26132555 (cited by Medical Research Institute, Tokyo Medical and Dental University).

NM_000238.4(KCNH2):c.1831T>G (p.Tyr611Asp)

Gene: KCNH2 (potassium voltage-gated channel subfamily H member 2; minus strand). Cytogenetic location: 7q36.1.
Variant type: single nucleotide variant.
Coding change: c.1831T>G on transcript NM_000238.4 (MANE Select); coding-DNA position 1831, T replaced by G.
Protein change: p.Tyr611Asp; replaces tyrosine 611 with aspartic acid.
Molecular consequence: missense variant.
Genome position (GRCh38, 1-based): chr7:150,951,562, A>C on the plus strand (T>G on the coding strand, the complement: KCNH2 is on the minus strand). VCF-style: chr7-150951562-A-C. GRCh37 (hg19) VCF-style: chr7-150648650-A-C.
Other names: c.1831T>G (LRG_288t1); c.811T>G, p.Tyr271Asp (NM_001204798.2, NM_172057.3); c.1543T>G, p.Tyr515Asp (NM_001406753.1, NM_001406756.1); c.1654T>G, p.Tyr552Asp (NM_001406755.1); c.1531T>G, p.Tyr511Asp (NM_001406757.1); c.1831T>G, p.Tyr611Asp (NM_172056.3); short protein forms Y271D, Y611D, Y552D, Y511D, Y515D.
Identifiers: ClinVar variation 67290 (VCV000067290.3), dbSNP rs199472942, ClinGen allele CA005628.